The following is an entry in ClinVar:

NM_022140.5(EPB41L4A):c.299C>T (p.Ala100Val)

Gene: EPB41L4A (erythrocyte membrane protein band 4.1 like 4A; minus strand). Cytogenetic location: 5q22.2.
Variant type: single nucleotide variant.
Coding change: c.299C>T on transcript NM_022140.5 (MANE Select); coding-DNA position 299, C replaced by T.
Protein change: p.Ala100Val; replaces alanine 100 with valine.
Molecular consequence: missense variant. On other transcripts: non-coding transcript variant (1).
Genome position (GRCh38, 1-based): chr5:112,275,362, G>A on the plus strand (C>T on the coding strand, the complement: EPB41L4A is on the minus strand). VCF-style: chr5-112275362-G-A. GRCh37 (hg19) VCF-style: chr5-111611059-G-A.
Other names: c.299C>T, p.Ala100Val (NM_001347887.2, NM_001347888.2); short protein forms A100V.
Identifiers: ClinVar variation 2655634 (VCV002655634.24), dbSNP rs144670970, ClinGen allele CA3367937.
Genomic context (GRCh38, chr5:112,275,362, plus strand): 5'-TCAAAAACAAAGTCAATACTATACCTGGTTATTTCTTCTTTAAGTTTACATGGATCTTCA[G>A]CATAGAATTTAATACCAAAATACAAAGTATATGGAGGTCCAGCTAAAATAAGAAATAGAA-3'
Protein context (NP_071423.4, residues 90-110): YTLYFGIKFY[Ala100Val]EDPCKLKEEI

ClinVar aggregate classification (germline): Likely benign (1 of 4 stars; one submission).

Allele frequency attached by ClinVar (database versions not stated): ESP Exome Variant Server 0.00112; 1000 Genomes Project 0.00140; 1000 Genomes Project 30x 0.00141; gnomAD 0.00190; gnomAD exomes 0.00191; TOPMed 0.00214; ExAC 0.00215.

Submission:

CeGaT Center for Human Genetics Tuebingen
Classification: Likely benign. Last evaluated: 2023-03-01. Review status: criteria provided, single submitter. Criteria: CeGaT Center For Human Genetics Tuebingen Variant Classification Criteria Version 2. Collection method: clinical testing. Allele origin: germline. Affected: yes. Observed: 1 variant allele.
Comment: EPB41L4A: BS2